The following is an entry in ClinVar:

ClinVar aggregate classification (germline): Uncertain significance. Review status: criteria provided, multiple submitters, no conflicts (2 of 4 stars). 2 submissions from 2 submitters: Uncertain significance (2). Last evaluated 2023-10-06.

Conditions:
Epileptic encephalopathy. Identifiers: MedGen C0543888, HP:0200134.

gnomAD v4.1: 4 of 1,611,310 alleles (0.00025%); highest among the groups gnomAD compares: Non-Finnish European, 0.00017%; no homozygotes.

Submissions (2):

GeneDx
Classification: Uncertain significance. Last evaluated: 2023-10-06. Review status: criteria provided, single submitter. Criteria: GeneDx Variant Classification Process June 2021. Collection method: clinical testing. Allele origin: germline. Affected: yes.
Comment: Not observed at significant frequency in large population cohorts (gnomAD); In silico analysis supports that this missense variant does not alter protein structure/function; Has not been previously published as pathogenic or benign to our knowledge

Labcorp Genetics (formerly Invitae), Labcorp
Classification: Uncertain significance for Epileptic encephalopathy. Last evaluated: 2023-01-18. Review status: criteria provided, single submitter. Criteria: Invitae Variant Classification Sherloc (09022015). Collection method: clinical testing. Allele origin: germline.
Comment: This sequence change replaces valine, which is neutral and non-polar, with leucine, which is neutral and non-polar, at codon 152 of the GABBR2 protein (p.Val152Leu). In summary, the available evidence is currently insufficient to determine the role of this variant in disease. Therefore, it has been classified as a Variant of Uncertain Significance. Advanced modeling of protein sequence and biophysical properties (such as structural, functional, and spatial information, amino acid conservation, physicochemical variation, residue mobility, and thermodynamic stability) performed at Invitae indicates that this missense variant is not expected to disrupt GABBR2 protein function. This variant has not been reported in the literature in individuals affected with GABBR2-related conditions. This variant is not present in population databases (gnomAD no frequency).

NM_005458.8(GABBR2):c.454G>C (p.Val152Leu)

Gene: GABBR2 (gamma-aminobutyric acid type B receptor subunit 2; minus strand). Cytogenetic location: 9q22.33.
Variant type: single nucleotide variant.
Coding change: c.454G>C on transcript NM_005458.8 (MANE Select); coding-DNA position 454, G replaced by C.
Protein change: p.Val152Leu; replaces valine 152 with leucine.
Molecular consequence: missense variant.
Genome position (GRCh38, 1-based): chr9:98,577,940, C>G on the plus strand (G>C on the coding strand, the complement: GABBR2 is on the minus strand). VCF-style: chr9-98577940-C-G. GRCh37 (hg19) VCF-style: chr9-101340222-C-G.
Other names: c.454G>C (NM_005458.7); short protein forms V152L.
Identifiers: ClinVar variation 2874241 (VCV002874241.4), dbSNP rs2490139502, ClinGen allele CA374349968.